The following is an entry in ClinVar:

NM_002474.3(MYH11):c.1402G>A (p.Val468Met)

Gene: MYH11 (myosin heavy chain 11; minus strand). Cytogenetic location: 16p13.11.
Variant type: single nucleotide variant.
Coding change: c.1402G>A on transcript NM_002474.3 (MANE Select); coding-DNA position 1402, G replaced by A.
Protein change: p.Val468Met; replaces valine 468 with methionine.
Molecular consequence: missense variant.
Genome position (GRCh38, 1-based): chr16:15,758,000, C>T on the plus strand (G>A on the coding strand, the complement: MYH11 is on the minus strand). VCF-style: chr16-15758000-C-T. GRCh37 (hg19) VCF-style: chr16-15851857-C-T.
Other names: c.1423G>A, p.Val475Met (NM_001040113.2, NM_001040114.2); c.1402G>A, p.Val468Met (NM_022844.3); short protein forms V475M, V468M.
Identifiers: ClinVar variation 945340 (VCV000945340.5), dbSNP rs780623648, ClinGen allele CA7922609.

ClinVar aggregate classification (germline): Uncertain significance. Review status: criteria provided, multiple submitters, no conflicts (2 of 4 stars). 2 submissions from 2 submitters: Uncertain significance (2). Last evaluated 2025-12-22.

Conditions:
Familial thoracic aortic aneurysm and aortic dissection (TAAD). Also called: Thoracic aortic aneurysms and dissections. Identifiers: Orphanet 91387, MedGen C4707243, MONDO:0019625.
Aortic aneurysm, familial thoracic 4 (AAT4). Also called: AORTIC ANEURYSM/AORTIC DISSECTION AND PATENT DUCTUS ARTERIOSUS. Identifiers: MedGen C1851504, MONDO:0007568, OMIM 132900.

Allele frequency attached by ClinVar (database versions not stated): gnomAD 0.00001; gnomAD exomes 0.00001; TOPMed 0.00001; ExAC 0.00002.
gnomAD v4.1: 31 of 1,613,666 alleles (0.0019%); highest among the groups gnomAD compares: African/African-American, 0.0027%; no homozygotes.

Submissions (2):

Labcorp Genetics (formerly Invitae), Labcorp
Classification: Uncertain significance for Aortic aneurysm, familial thoracic 4. Last evaluated: 2025-12-22. Review status: criteria provided, single submitter. Criteria: Invitae Variant Classification Sherloc (09022015). Collection method: clinical testing. Allele origin: germline.
Comment: This sequence change replaces valine, which is neutral and non-polar, with methionine, which is neutral and non-polar, at codon 475 of the MYH11 protein (p.Val475Met). This variant is present in population databases (rs780623648, gnomAD 0.007%). This variant has not been reported in the literature in individuals affected with MYH11-related conditions. ClinVar contains an entry for this variant (Variation ID: 945340). An algorithm developed to predict the effect of missense changes on protein structure and function (PolyPhen-2) suggests that this variant is likely to be tolerated. In summary, the available evidence is currently insufficient to determine the role of this variant in disease. Therefore, it has been classified as a Variant of Uncertain Significance.

Color Diagnostics, LLC DBA Color Health
Classification: Uncertain significance for Familial thoracic aortic aneurysm and aortic dissection. Last evaluated: 2024-01-29. Review status: criteria provided, single submitter. Criteria: ACMG Guidelines, 2015. Collection method: clinical testing. Allele origin: germline.
Comment: This missense variant replaces valine with methionine at codon 475 of the MYH11 protein. Computational prediction suggests that this variant may not impact protein structure and function. To our knowledge, functional studies have not been reported for this variant. This variant has not been reported in individuals affected with MYH11-related disorders in the literature. This variant has been identified in 3/251458 chromosomes in the general population by the Genome Aggregation Database (gnomAD). The available evidence is insufficient to determine the role of this variant in disease conclusively. Therefore, this variant is classified as a Variant of Uncertain Significance.